The following is an entry in ClinVar:

NM_001211.6(BUB1B):c.2215G>T (p.Ala739Ser)

Gene: BUB1B (BUB1 mitotic checkpoint serine/threonine kinase B; plus strand). Cytogenetic location: 15q15.1.
Variant type: single nucleotide variant.
Coding change: c.2215G>T on transcript NM_001211.6 (MANE Select); coding-DNA position 2215, G replaced by T.
Protein change: p.Ala739Ser; replaces alanine 739 with serine.
Molecular consequence: missense variant.
Genome position (GRCh38, 1-based): chr15:40,209,706, G>T. VCF-style: chr15-40209706-G-T. GRCh37 (hg19) VCF-style: chr15-40501907-G-T.
Other names: short protein forms A739S.
Identifiers: ClinVar variation 3702079 (VCV003702079.2).

ClinVar aggregate classification (germline): Uncertain significance (1 of 4 stars; one submission).

Conditions:
Mosaic variegated aneuploidy syndrome 1 (MVA1). Also called: Warburton-Anyane-Yeboa syndrome. Identifiers: Orphanet 1052, MedGen C1850343, MONDO:0009759, OMIM 257300.

Submission:

Labcorp Genetics (formerly Invitae), Labcorp
Classification: Uncertain significance for Mosaic variegated aneuploidy syndrome 1. Last evaluated: 2024-03-01. Review status: criteria provided, single submitter. Criteria: Invitae Variant Classification Sherloc (09022015). Collection method: clinical testing. Allele origin: germline.
Comment: This sequence change replaces alanine, which is neutral and non-polar, with serine, which is neutral and polar, at codon 739 of the BUB1B protein (p.Ala739Ser). This variant is not present in population databases (gnomAD no frequency). This variant has not been reported in the literature in individuals affected with BUB1B-related conditions. An algorithm developed to predict the effect of missense changes on protein structure and function (PolyPhen-2) suggests that this variant is likely to be tolerated. In summary, the available evidence is currently insufficient to determine the role of this variant in disease. Therefore, it has been classified as a Variant of Uncertain Significance.